The following is an entry in ClinVar:

ClinVar aggregate classification (germline): Benign/Likely benign. Review status: criteria provided, multiple submitters, no conflicts (2 of 4 stars). 4 submissions from 4 submitters: Benign (1); Likely benign (3). Last evaluated 2026-07-01.

Conditions:
Inborn genetic diseases. Identifiers: MedGen C0950123, MeSH D030342.

Allele frequency attached by ClinVar (database versions not stated): 1000 Genomes Project 30x 0.00016; ESP Exome Variant Server 0.00017; 1000 Genomes Project 0.00020; gnomAD 0.00064; TOPMed 0.00065; ExAC 0.00079.

Submissions (4):

CeGaT Center for Human Genetics Tuebingen
Classification: Likely benign. Last evaluated: 2026-07-01. Review status: criteria provided, single submitter. Criteria: CeGaT Center For Human Genetics Tuebingen Variant Classification Criteria Version 2. Collection method: clinical testing. Allele origin: germline. Affected: yes. Observed: 4 variant alleles.
Comment: SHANK3: BS1

Ambry Genetics
Classification: Likely benign for Inborn genetic diseases. Last evaluated: 2025-04-15. Review status: criteria provided, single submitter. Criteria: Ambry Variant Classification Scheme 2023. Collection method: clinical testing. Allele origin: germline.

Blueprint Genetics
Classification: Likely benign. Last evaluated: 2024-10-28. Review status: criteria provided, single submitter. Criteria: ACMG Guidelines, 2015. Collection method: clinical testing. Allele origin: germline.

GeneDx
Classification: Benign. Last evaluated: 2020-02-06. Review status: criteria provided, single submitter. Criteria: GeneDx Variant Classification Process June 2021. Collection method: clinical testing. Allele origin: germline. Affected: yes.

NM_001372044.2(SHANK3):c.4223T>G (p.Val1408Gly)

Gene: SHANK3 (SH3 and multiple ankyrin repeat domains 3; plus strand). Cytogenetic location: 22q13.33.
Variant type: single nucleotide variant.
Coding change: c.4223T>G on transcript NM_001372044.2 (MANE Select); coding-DNA position 4223, T replaced by G.
Protein change: p.Val1408Gly; replaces valine 1408 with glycine.
Molecular consequence: missense variant.
Genome position (GRCh38, 1-based): chr22:50,721,831, T>G. VCF-style: chr22-50721831-T-G. GRCh37 (hg19) VCF-style: chr22-51160259-T-G.
Other names: c.3998T>G, p.Val1333Gly (NM_033517.1); short protein forms V1333G, V1408G.
Identifiers: ClinVar variation 588226 (VCV000588226.31), dbSNP rs200087210, ClinGen allele CA10326191.